The following is an entry in ClinVar:

NM_000092.5(COL4A4):c.871-1G>A

Gene: COL4A4 (collagen type IV alpha 4 chain; minus strand). Cytogenetic location: 2q36.3.
Variant type: single nucleotide variant.
Coding change: c.871-1G>A on transcript NM_000092.5 (MANE Select); the canonical splice acceptor site of the intron before coding-DNA position 871, G replaced by A.
Molecular consequence: splice acceptor variant.
Genome position (GRCh38, 1-based): chr2:227,102,849, C>T on the plus strand (G>A on the coding strand, the complement: COL4A4 is on the minus strand). VCF-style: chr2-227102849-C-T. GRCh37 (hg19) VCF-style: chr2-227967565-C-T.
Identifiers: ClinVar variation 1506944 (VCV001506944.6), dbSNP rs375450996, ClinGen allele CA350857378.
Genomic context (GRCh38, chr2:227,102,849, plus strand): 5'-CCGAGGCCCTGGAAATCCAGGAATACCTTTTTCTCCTTTTGCCCCAATACCAGATTCTCC[C>T]TTTAAGAGATGACAACATTTAGAGGGGTTCAAGCAACAATATTTCAGCAATAGGGAAAGC-3'

ClinVar aggregate classification (germline): Likely pathogenic (1 of 4 stars; one submission).

Submission:

Labcorp Genetics (formerly Invitae), Labcorp
Classification: Likely pathogenic. Last evaluated: 2022-04-16. Review status: criteria provided, single submitter. Criteria: Invitae Variant Classification Sherloc (09022015). Collection method: clinical testing. Allele origin: germline.
Comment: This sequence change affects an acceptor splice site in intron 14 of the COL4A4 gene. It is expected to disrupt RNA splicing. Variants that disrupt the donor or acceptor splice site typically lead to a loss of protein function (PMID: 16199547), and loss-of-function variants in COL4A4 are known to be pathogenic (PMID: 21196518, 24854265, 25307543). This variant is not present in population databases (gnomAD no frequency). Disruption of this splice site has been observed in individual(s) with clinical features of Alport syndrome (Invitae). Algorithms developed to predict the effect of sequence changes on RNA splicing suggest that this variant may disrupt the consensus splice site. In summary, the currently available evidence indicates that the variant is pathogenic, but additional data are needed to prove that conclusively. Therefore, this variant has been classified as Likely Pathogenic.

Literature cited by the submitters: PubMed 16199547; PubMed 21196518; PubMed 24854265; PubMed 25307543.